The following is an entry in ClinVar:

ClinVar aggregate classification (germline): Pathogenic (1 of 4 stars; one submission).

Submission:

Labcorp Genetics (formerly Invitae), Labcorp
Classification: Pathogenic. Last evaluated: 2022-07-26. Review status: criteria provided, single submitter. Criteria: Invitae Variant Classification Sherloc (09022015). Collection method: clinical testing. Allele origin: germline.
Comment: This sequence change creates a premature translational stop signal (p.Leu526Cysfs*19) in the ADCY5 gene. It is expected to result in an absent or disrupted protein product. Loss-of-function variants in ADCY5 are known to be pathogenic (PMID: 28971144, 34631954). This variant is not present in population databases (gnomAD no frequency). This variant has not been reported in the literature in individuals affected with ADCY5-related conditions. For these reasons, this variant has been classified as Pathogenic.

Literature cited by the submitters: PubMed 28971144; PubMed 34631954.

NM_183357.3(ADCY5):c.1575del (p.Leu526fs)

Gene: ADCY5 (adenylate cyclase 5; minus strand). Cytogenetic location: 3q21.1.
Variant type: Deletion.
Coding change: c.1575del on transcript NM_183357.3 (MANE Select); coding-DNA position 1575, one base deleted (G; older notation c.1575delG).
Protein change: p.Leu526fs; shifts the reading frame from leucine 526.
Molecular consequence: frameshift variant.
Genome position (GRCh38, 1-based): chr3:123,330,960, C deleted on the plus strand (G on the coding strand, the reverse complement: ADCY5 is on the minus strand); the first of 4 consecutive C bases (chr3:123,330,960-123,330,963); deleting any one gives the same sequence. VCF-style (leftmost placement, unchanged base first): chr3-123330959-GC-G. GRCh37 (hg19) VCF-style: chr3-123049806-GC-G.
Other names: c.525del, p.Leu176fs (NM_001199642.1); c.1575del, p.Leu526fs (NM_001378259.1); short protein forms L176fs, L526fs.
Identifiers: ClinVar variation 2015778 (VCV002015778.4), dbSNP rs2472863379, ClinGen allele CA2580068651.